The following is an entry in ClinVar:

ClinVar aggregate classification (germline): Conflicting classifications of pathogenicity. Review status: criteria provided, conflicting classifications (1 of 4 stars). 6 submissions from 6 submitters: Uncertain significance (5); Likely benign (1). Last evaluated 2026-07-06.

Conditions:
Rhabdoid tumor predisposition syndrome 2 (RTPS2). Identifiers: Orphanet 231108, Orphanet 69077, MedGen C2750074, MONDO:0013224, OMIM 613325.
Hereditary cancer-predisposing syndrome. Also called: Tumor predisposition; Neoplastic Syndromes, Hereditary; Hereditary Cancer Syndrome; Hereditary neoplastic syndrome. Identifiers: Orphanet 140162, MedGen C0027672, MeSH D009386, MONDO:0015356.
Intellectual disability, autosomal dominant 16 (CSS4). Also called: COFFIN-SIRIS SYNDROME 4. Identifiers: Orphanet 1465, MedGen C3553249, MONDO:0013821, OMIM 614609.

Allele frequency attached by ClinVar (database versions not stated): TOPMed 0.00001.
gnomAD v4.1: 6 of 1,611,176 alleles (0.00037%); highest among the groups gnomAD compares: Non-Finnish European, 0.00051%; no homozygotes.

Submissions (6):

Myriad Genetics, Inc.
Classification: Likely benign for Rhabdoid tumor predisposition syndrome 2. Last evaluated: 2026-07-06. Review status: criteria provided, single submitter. Criteria: Myriad Autosomal Dominant, Autosomal Recessive and X-Linked Classification Criteria (2023). Collection method: clinical testing. Allele origin: unknown.
Comment: This variant is considered likely benign. This variant has been observed at a population frequency that is significantly greater than expected given the associated disease prevalence and penetrance.

Labcorp Genetics (formerly Invitae), Labcorp
Classification: Uncertain significance for Rhabdoid tumor predisposition syndrome 2. Last evaluated: 2025-04-13. Review status: criteria provided, single submitter. Criteria: Invitae Variant Classification Sherloc (09022015). Collection method: clinical testing. Allele origin: germline.
Comment: This sequence change replaces histidine, which is basic and polar, with glutamine, which is neutral and polar, at codon 40 of the SMARCA4 protein (p.His40Gln). This variant is present in population databases (no rsID available, gnomAD 0.003%). This variant has not been reported in the literature in individuals affected with SMARCA4-related conditions. ClinVar contains an entry for this variant (Variation ID: 537780). Invitae Evidence Modeling of protein sequence and biophysical properties (such as structural, functional, and spatial information, amino acid conservation, physicochemical variation, residue mobility, and thermodynamic stability) indicates that this missense variant is not expected to disrupt SMARCA4 protein function with a negative predictive value of 95%. In summary, the available evidence is currently insufficient to determine the role of this variant in disease. Therefore, it has been classified as a Variant of Uncertain Significance.

Ambry Genetics
Classification: Uncertain significance for Hereditary cancer-predisposing syndrome. Last evaluated: 2024-10-29. Review status: criteria provided, single submitter. Criteria: Ambry Variant Classification Scheme 2023. Collection method: clinical testing. Allele origin: germline.
Comment: The p.H40Q variant (also known as c.120C>G), located in coding exon 1 of the SMARCA4 gene, results from a C to G substitution at nucleotide position 120. The histidine at codon 40 is replaced by glutamine, an amino acid with highly similar properties. This variant has been detected in multiple individuals with no reported features of Coffin-Siris syndrome (Ambry internal data). This amino acid position is highly conserved in available vertebrate species. In addition, the in silico prediction for this alteration is inconclusive. Based on the supporting evidence, the association of this alteration with rhabdoid tumor predisposition syndrome is unknown; however, the association of this alteration with Coffin-Siris syndrome is unlikely.

Baylor Genetics
Classification: Uncertain significance for Rhabdoid tumor predisposition syndrome 2. Last evaluated: 2024-03-19. Review status: criteria provided, single submitter. Criteria: ACMG Guidelines, 2015. Collection method: clinical testing. Allele origin: unknown.

Quest Diagnostics Nichols Institute San Juan Capistrano
Classification: Uncertain significance. Last evaluated: 2023-05-23. Review status: criteria provided, single submitter. Criteria: Quest Diagnostics criteria. Collection method: clinical testing. Allele origin: unknown.
Comment: This variant has not been reported in the published literature. The frequency of this variant in the general population, 0.000025 (3/120988 chromosomes (Genome Aggregation Database)), is uninformative in the assessment of its pathogenicity. Analysis of this variant using bioinformatics tools for the prediction of the effect of amino acid changes on protein structure and function yielded conflicting predictions that this variant is benign or damaging. Based on the available information, we are unable to determine the clinical significance of this variant.

Genome-Nilou Lab
Classification: Uncertain significance for Intellectual disability, autosomal dominant 16. Last evaluated: 2021-07-15. Review status: criteria provided, single submitter. Criteria: ACMG Guidelines, 2015. Collection method: clinical testing. Allele origin: germline. Affected: no.

NM_003072.5(SMARCA4):c.120C>G (p.His40Gln)

Gene: SMARCA4 (SWI/SNF related BAF chromatin remodeling complex subunit ATPase 4; plus strand). Cytogenetic location: 19p13.2.
Variant type: single nucleotide variant.
Coding change: c.120C>G on transcript NM_003072.5 (MANE Select); coding-DNA position 120, C replaced by G.
Protein change: p.His40Gln; replaces histidine 40 with glutamine.
Molecular consequence: missense variant. On other transcripts: non-coding transcript variant (1).
Genome position (GRCh38, 1-based): chr19:10,984,271, C>G. VCF-style: chr19-10984271-C-G. GRCh37 (hg19) VCF-style: chr19-11094947-C-G.
Other names: c.120C>G, p.His40Gln (NM_001128844.3, NM_001128845.2, NM_001128846.2 and 5 more transcripts); short protein forms H40Q.
Identifiers: ClinVar variation 537780 (VCV000537780.20), dbSNP rs375884151, ClinGen allele CA404054309.